The following is an entry in ClinVar:

ClinVar aggregate classification (germline): Conflicting classifications of pathogenicity. Review status: criteria provided, conflicting classifications (1 of 4 stars). 2 submissions from 2 submitters: Uncertain significance (1); Likely benign (1). Last evaluated 2025-06-24.

Conditions:
Episodic ataxia type 2 (EA2). Also called: ATAXIA, EPISODIC, WITH NYSTAGMUS; ATAXIA, FAMILIAL PAROXYSMAL; CEREBELLAR ATAXIA, PAROXYSMAL, ACETAZOLAMIDE-RESPONSIVE; CEREBELLOPATHY, HEREDITARY PAROXYSMAL; ACETAZOLAMIDE-RESPONSIVE HEREDITARY PAROXYSMAL CEREBELLAR ATAXIA; EPISODIC ATAXIA, NYSTAGMUS-ASSOCIATED. Identifiers: Orphanet 97, MedGen C1720416, MONDO:0007163, OMIM 108500.
Developmental and epileptic encephalopathy, 42 (DEE42A). Also called: DEVELOPMENTAL AND EPILEPTIC ENCEPHALOPATHY 42A; EPILEPTIC ENCEPHALOPATHY, EARLY INFANTILE, 42A; Epileptic encephalopathy, early infantile, 42. Identifiers: MedGen C4310716, MONDO:0014917, OMIM 617106.

Allele frequency attached by ClinVar (database versions not stated): gnomAD exomes below 0.00001 and 0.00002; TOPMed 0.00006; ESP Exome Variant Server 0.00008; gnomAD 0.00008.
gnomAD v4.1: 17 of 1,613,836 alleles (0.0011%); highest among the groups gnomAD compares: Admixed American, 0.027%; no homozygotes.

Submissions (2):

GeneDx
Classification: Uncertain significance. Last evaluated: 2025-06-24. Review status: criteria provided, single submitter. Criteria: GeneDx Variant Classification Process June 2021. Collection method: clinical testing. Allele origin: germline. Affected: yes.
Comment: In silico analysis supports that this missense variant has a deleterious effect on protein structure/function; Has not been previously published as pathogenic or benign to our knowledge

Labcorp Genetics (formerly Invitae), Labcorp
Classification: Likely benign for Developmental and epileptic encephalopathy, 42; Episodic ataxia type 2. Last evaluated: 2023-10-03. Review status: criteria provided, single submitter. Criteria: Invitae Variant Classification Sherloc (09022015). Collection method: clinical testing. Allele origin: germline.

NM_001127222.2(CACNA1A):c.3607G>A (p.Glu1203Lys)

Gene: CACNA1A (calcium voltage-gated channel subunit alpha1 A; minus strand). Cytogenetic location: 19p13.13.
Variant type: single nucleotide variant.
Coding change: c.3607G>A on transcript NM_001127222.2 (MANE Select); coding-DNA position 3607, G replaced by A.
Protein change: p.Glu1203Lys; replaces glutamic acid 1203 with lysine.
Molecular consequence: missense variant.
Genome position (GRCh38, 1-based): chr19:13,285,153, C>T on the plus strand (G>A on the coding strand, the complement: CACNA1A is on the minus strand). VCF-style: chr19-13285153-C-T. GRCh37 (hg19) VCF-style: chr19-13395967-C-T.
Other names: c.3610G>A (NM_001127221.1); c.3619G>A, p.Glu1207Lys (NM_000068.4, NM_023035.3); c.3610G>A, p.Glu1204Lys (NM_001127221.2, NM_001174080.2); short protein forms E1203K, E1204K, E1207K.
Identifiers: ClinVar variation 1501329 (VCV001501329.9), dbSNP rs375415852, ClinGen allele CA305563215.